The following is an entry in ClinVar:

ClinVar aggregate classification (germline): Uncertain significance. Review status: criteria provided, multiple submitters, no conflicts (2 of 4 stars). 2 submissions from 2 submitters: Uncertain significance (2). Last evaluated 2024-10-27.

Allele frequency attached by ClinVar (database versions not stated): gnomAD 0.00001; ExAC 0.00002.
gnomAD v4.1: 9 of 1,614,046 alleles (0.00056%); highest among the groups gnomAD compares: Non-Finnish European, 0.00068%; no homozygotes.

Submissions (2):

GeneDx
Classification: Uncertain significance. Last evaluated: 2024-10-27. Review status: criteria provided, single submitter. Criteria: GeneDx Variant Classification Process June 2021. Collection method: clinical testing. Allele origin: germline. Affected: yes.
Comment: Not observed at significant frequency in large population cohorts (gnomAD); In silico analysis indicates that this missense variant does not alter protein structure/function; Has not been previously published as pathogenic or benign to our knowledge

Labcorp Genetics (formerly Invitae), Labcorp
Classification: Uncertain significance. Last evaluated: 2022-07-04. Review status: criteria provided, single submitter. Criteria: Invitae Variant Classification Sherloc (09022015). Collection method: clinical testing. Allele origin: germline.
Comment: In summary, the available evidence is currently insufficient to determine the role of this variant in disease. Therefore, it has been classified as a Variant of Uncertain Significance. Advanced modeling of protein sequence and biophysical properties (such as structural, functional, and spatial information, amino acid conservation, physicochemical variation, residue mobility, and thermodynamic stability) performed at Invitae indicates that this missense variant is not expected to disrupt FAT4 protein function. This variant has not been reported in the literature in individuals affected with FAT4-related conditions. This variant is present in population databases (rs766766148, gnomAD 0.004%). This sequence change replaces leucine, which is neutral and non-polar, with methionine, which is neutral and non-polar, at codon 4500 of the FAT4 protein (p.Leu4500Met).

NM_001291303.3(FAT4):c.13504C>A (p.Leu4502Met)

Gene: FAT4 (FAT atypical cadherin 4; plus strand). Cytogenetic location: 4q28.1.
Variant type: single nucleotide variant.
Coding change: c.13504C>A on transcript NM_001291303.3 (MANE Select); coding-DNA position 13504, C replaced by A.
Protein change: p.Leu4502Met; replaces leucine 4502 with methionine.
Molecular consequence: missense variant.
Genome position (GRCh38, 1-based): chr4:125,490,320, C>A. VCF-style: chr4-125490320-C-A. GRCh37 (hg19) VCF-style: chr4-126411475-C-A.
Other names: c.13501C>A, p.Leu4501Met (NM_001291285.3); c.13498C>A, p.Leu4500Met (NM_024582.6); c.13498C>A (NM_024582.4); short protein forms L4502M, L4501M, L4500M.
Identifiers: ClinVar variation 2158507 (VCV002158507.5), dbSNP rs766766148, ClinGen allele CA3074381.